The following is an entry in ClinVar:

NM_032119.4(ADGRV1):c.830A>T (p.His277Leu)

Gene: ADGRV1 (adhesion G protein-coupled receptor V1; plus strand). Cytogenetic location: 5q14.3.
Variant type: single nucleotide variant.
Coding change: c.830A>T on transcript NM_032119.4 (MANE Select); coding-DNA position 830, A replaced by T.
Protein change: p.His277Leu; replaces histidine 277 with leucine.
Molecular consequence: missense variant. On other transcripts: non-coding transcript variant (1).
Genome position (GRCh38, 1-based): chr5:90,627,368, A>T. VCF-style: chr5-90627368-A-T. GRCh37 (hg19) VCF-style: chr5-89923185-A-T.
Other names: c.830A>T (NM_032119.3); short protein forms H277L.
Identifiers: ClinVar variation 1498360 (VCV001498360.11), dbSNP rs376150952, ClinGen allele CA3338571.

ClinVar aggregate classification (germline): Conflicting classifications of pathogenicity. Review status: criteria provided, conflicting classifications (1 of 4 stars). 3 submissions from 3 submitters: Uncertain significance (2); Likely benign (1). Last evaluated 2026-09-01.

Conditions:
Inborn genetic diseases. Identifiers: MedGen C0950123, MeSH D030342.

Allele frequency attached by ClinVar (database versions not stated): gnomAD exomes 0.00003; ExAC 0.00005; ESP Exome Variant Server 0.00017; gnomAD 0.00003 and 0.00004.
gnomAD v4.1: 52 of 1,613,848 alleles (0.0032%); highest among the groups gnomAD compares: Non-Finnish European, 0.0043%; no homozygotes.

Submissions (3):

Ambry Genetics
Classification: Uncertain significance for Inborn genetic diseases. Last evaluated: 2026-09-01. Review status: criteria provided, single submitter. Criteria: Ambry Variant Classification Scheme 2023. Collection method: clinical testing. Allele origin: germline.
Comment: The c.830A>T (p.H277L) alteration is located in exon 7 (coding exon 7) of the ADGRV1 gene. This alteration results from a A to T substitution at nucleotide position 830, causing the histidine (H) at amino acid position 277 to be replaced by a leucine (L). Based on data from gnomAD, the T allele has an overall frequency of 0.003% (7/249154) total alleles studied. The highest observed frequency was 0.006% (7/112916) of European (non-Finnish) alleles. Based on insufficient or conflicting evidence, the clinical significance of this alteration remains unclear.

Labcorp Genetics (formerly Invitae), Labcorp
Classification: Likely benign. Last evaluated: 2025-02-26. Review status: criteria provided, single submitter. Criteria: Invitae Variant Classification Sherloc (09022015). Collection method: clinical testing. Allele origin: germline.

Blueprint Genetics
Classification: Uncertain significance. Last evaluated: 2021-07-05. Review status: criteria provided, single submitter. Criteria: ACMG Guidelines, 2015. Collection method: clinical testing. Allele origin: germline.